The following is an entry in ClinVar:

NM_001394998.1(TANC2):c.5767C>T (p.Arg1923Ter)

Gene: TANC2 (tetratricopeptide repeat, ankyrin repeat and coiled-coil containing 2; plus strand). Cytogenetic location: 17q23.3.
Variant type: single nucleotide variant.
Coding change: c.5767C>T on transcript NM_001394998.1 (MANE Select); coding-DNA position 5767, C replaced by T.
Protein change: p.Arg1923Ter; replaces arginine 1923 with a stop codon.
Molecular consequence: nonsense.
Genome position (GRCh38, 1-based): chr17:63,421,497, C>T. VCF-style: chr17-63421497-C-T. GRCh37 (hg19) VCF-style: chr17-61498858-C-T.
Other names: c.5545C>T, p.Arg1849Ter (NM_001411076.1); c.5515C>T, p.Arg1839Ter (NM_025185.4); short protein forms R1839*, R1849*, R1923*.
Identifiers: ClinVar variation 2663052 (VCV002663052.2), dbSNP rs1018525908, ClinGen allele CA400547372.

ClinVar aggregate classification (germline): Uncertain significance. Review status: criteria provided, multiple submitters, no conflicts (2 of 4 stars). 2 submissions from 2 submitters: Uncertain significance (2). Last evaluated 2025-08-27.

Conditions:
Inborn genetic diseases. Identifiers: MedGen C0950123, MeSH D030342.

Submissions (2):

Ambry Genetics
Classification: Uncertain significance for Inborn genetic diseases. Last evaluated: 2025-08-27. Review status: criteria provided, single submitter. Criteria: Ambry Variant Classification Scheme 2023. Collection method: clinical testing. Allele origin: germline.
Comment: The c.5515C>T (p.R1839*) alteration, located in exon 25 (coding exon 25) of the TANC2 gene, consists of a C to T substitution at nucleotide position 5515. This changes the amino acid from a arginine (R) to a stop codon at amino acid position 1839. This variant is not expected to trigger nonsense-mediated mRNA decay, and impacts the last 7.6% of the protein. The exact functional effect of this alteration is unknown. This variant was not reported in population-based cohorts in the Genome Aggregation Database (gnomAD). This variant was reported in individual(s) with features consistent with TANC2-related neurodevelopmental disorder (Mahjani, 2021; Kosmicki, 2017). Based on insufficient or conflicting evidence, the clinical significance of this alteration remains unclear.

GeneDx
Classification: Uncertain significance. Last evaluated: 2023-05-01. Review status: criteria provided, single submitter. Criteria: GeneDx Variant Classification Process June 2021. Collection method: clinical testing. Allele origin: germline. Affected: yes.
Comment: Reported in an individual with autism spectrum disorder, however segregation and detailed clinical information was not provided (Kosmicki et al., 2017); Nonsense variant predicted to result in protein truncation as the last 152 amino acids are lost, although loss-of-function variants have not been reported downstream of this position in the protein; Not observed at significant frequency in large population cohorts (gnomAD); This variant is associated with the following publications: (PMID: 28191890)

Literature cited by the submitters: PubMed 25954003 (cited by Ambry Genetics); PubMed 27618451 (cited by Ambry Genetics); PubMed 28191890 (cited by Ambry Genetics); PubMed 28490743 (cited by Ambry Genetics); PubMed 34615535 (cited by Ambry Genetics).